The following is an entry in ClinVar:

NM_001436401.1(NOBOX):c.696+23_696+24dup

Gene: NOBOX (NOBOX oogenesis homeobox; minus strand). Cytogenetic location: 7q35.
Variant type: Duplication.
Coding change: c.696+23_696+24dup on transcript NM_001436401.1 (MANE Select); bases 23 to 24 of the intron after coding-DNA position 696, 2 bases duplicated (TG; older notation c.696+23_696+24dupTG).
Molecular consequence: intron variant.
Genome position (GRCh38, 1-based): chr7:144,400,182-144,400,183, CA duplicated on the plus strand (TG on the coding strand, the reverse complement: NOBOX is on the minus strand); duplicating any 2 consecutive bases within chr7:144,400,182-144,400,184 gives the same sequence; the c. name uses the placement nearest the transcript's 3' end. VCF-style (leftmost placement, unchanged base first): chr7-144400181-C-CCA. GRCh37 (hg19) VCF-style: chr7-144097274-C-CCA.
Other names: NM_001080413.3:c.974_975dup; c.144+23_144+24dup (NM_001436402.1).
Identifiers: ClinVar variation 970942 (VCV000970942.3), dbSNP rs1563128340, ClinGen allele CA918152431.

ClinVar aggregate classification (germline): Pathogenic (1 of 4 stars; one submission).

Submission:

Labcorp Genetics (formerly Invitae), Labcorp
Classification: Pathogenic. Last evaluated: 2019-01-01. Review status: criteria provided, single submitter. Criteria: Invitae Variant Classification Sherloc (09022015). Collection method: clinical testing. Allele origin: germline.
Comment: This sequence change creates a premature translational stop signal (p.Ala326Trpfs*23) in the NOBOX gene. It is expected to result in an absent or disrupted protein product. This variant is not present in population databases (ExAC no frequency). This variant has not been reported in the literature in individuals with NOBOX-related conditions. Loss-of-function variants in NOBOX are known to be pathogenic (PMID: 15326356, 21837770). For these reasons, this variant has been classified as Pathogenic.

Literature cited by the submitters: PubMed 15326356; PubMed 21837770.